The following is an entry in ClinVar:

NC_000009.12:g.35658025T>C

Gene: RMRP (RNA component of mitochondrial RNA processing endoribonuclease; minus strand). Cytogenetic location: 9p13.3.
Variant type: single nucleotide variant.
Genome position: GRCh38 VCF-style: chr9-35658025-T-C. GRCh37 (hg19) VCF-style: chr9-35658022-T-C.
Identifiers: ClinVar variation 387271 (VCV000387271.14), dbSNP rs111909453, ClinGen allele CA5045881.

ClinVar aggregate classification (germline): Likely benign. Review status: criteria provided, multiple submitters, no conflicts (2 of 4 stars). 4 submissions from 4 submitters: Likely benign (2). 2 of the submissions do not count toward it. Last evaluated 2026-01-26.

Conditions:
Anauxetic dysplasia. Identifiers: Orphanet 93347, MedGen C1846796, MONDO:0011773.
RMRP-related disorder. Also called: RMRP-related condition.
Metaphyseal chondrodysplasia, McKusick type (CHH). Also called: Cartilage-hair hypoplasia; Cartilage-Hair Hypoplasia (CHH). Identifiers: Orphanet 175, MedGen C0220748, MONDO:0009595, OMIM 250250.

Allele frequency attached by ClinVar (database versions not stated): ExAC 0.00011; TOPMed 0.00066; 1000 Genomes Project 30x 0.00219; gnomAD 0.00057; 1000 Genomes Project 0.00120.

Submissions (4):

Labcorp Genetics (formerly Invitae), Labcorp
Classification: Likely benign for Anauxetic dysplasia. Last evaluated: 2026-01-26. Review status: criteria provided, single submitter. Criteria: Invitae Variant Classification Sherloc (09022015). Collection method: clinical testing. Allele origin: germline.

GeneDx
Classification: Likely benign. Last evaluated: 2018-01-29. Review status: criteria provided, single submitter. Criteria: GeneDx Variant Classification (06012015). Collection method: clinical testing. Allele origin: germline. Affected: yes.
Comment: This variant is considered likely benign or benign based on one or more of the following criteria: it is a conservative change, it occurs at a poorly conserved position in the protein, it is predicted to be benign by multiple in silico algorithms, and/or has population frequency not consistent with disease.

PreventionGenetics, part of Exact Sciences
Classification: Likely benign for RMRP-related condition. Last evaluated: 2022-11-03. Review status: no assertion criteria provided. Collection method: clinical testing. Allele origin: germline. Not counted in ClinVar's aggregate classification.
Comment: This variant is classified as likely benign based on ACMG/AMP sequence variant interpretation guidelines (Richards et al. 2015 PMID: 25741868, with internal and published modifications).

Natera, Inc.
Classification: Likely benign for Cartilage-hair hypoplasia. Last evaluated: 2020-10-12. Review status: no assertion criteria provided. Collection method: clinical testing. Allele origin: germline. Not counted in ClinVar's aggregate classification.